The following is an entry in ClinVar:

NM_006361.6(HOXB13):c.176C>G (p.Pro59Arg)

Gene: HOXB13 (homeobox B13; minus strand). Cytogenetic location: 17q21.32.
Variant type: single nucleotide variant.
Coding change: c.176C>G on transcript NM_006361.6 (MANE Select); coding-DNA position 176, C replaced by G.
Protein change: p.Pro59Arg; replaces proline 59 with arginine.
Molecular consequence: missense variant.
Genome position (GRCh38, 1-based): chr17:48,728,418, G>C on the plus strand (C>G on the coding strand, the complement: HOXB13 is on the minus strand). VCF-style: chr17-48728418-G-C. GRCh37 (hg19) VCF-style: chr17-46805780-G-C.
Other names: short protein forms P59R.
Identifiers: ClinVar variation 690597 (VCV000690597.3), dbSNP rs770620686, ClinGen allele CA400108960.

ClinVar aggregate classification (germline): Uncertain significance. Review status: criteria provided, single submitter (1 of 4 stars). 2 submissions from 2 submitters: Uncertain significance (1). 1 of the submissions does not count toward it. Last evaluated 2025-07-30.

Conditions:
Prostate cancer, hereditary, 1 (HPC1). Identifiers: Orphanet 1331, MedGen C4722327, MONDO:0011098, OMIM 601518.

Submissions (2):

Labcorp Genetics (formerly Invitae), Labcorp
Classification: Uncertain significance. Last evaluated: 2025-07-30. Review status: criteria provided, single submitter. Criteria: Invitae Variant Classification Sherloc (09022015). Collection method: clinical testing. Allele origin: germline.
Comment: This sequence change replaces proline, which is neutral and non-polar, with arginine, which is basic and polar, at codon 59 of the HOXB13 protein (p.Pro59Arg). This variant is not present in population databases (gnomAD no frequency). This variant has not been reported in the literature in individuals affected with HOXB13-related conditions. ClinVar contains an entry for this variant (Variation ID: 690597). An algorithm developed to predict the effect of missense changes on protein structure and function (PolyPhen-2) suggests that this variant is likely to be disruptive. In summary, the available evidence is currently insufficient to determine the role of this variant in disease. Therefore, it has been classified as a Variant of Uncertain Significance.

Laboratory of Virology, Microbiology,  Quality and Medical Biotechnologies, Faculty of Sciences and Techniques - Mohammedia, Hassan II University of Casablanca
Classification: Uncertain significance for Prostate cancer, hereditary, 1. Review status: no assertion criteria provided. Collection method: clinical testing. Allele origin: somatic. Affected: yes. Not counted in ClinVar's aggregate classification.